The following is an entry in ClinVar:

ClinVar aggregate classification (germline): Uncertain significance (1 of 4 stars; one submission).

Conditions:
Inborn genetic diseases. Identifiers: MedGen C0950123, MeSH D030342.

Allele frequency attached by ClinVar (database versions not stated): gnomAD exomes below 0.00001.
gnomAD v4.1: 1 of 1,458,504 alleles (0.000069%); highest among the groups gnomAD compares: Non-Finnish European, 0.00009%; no homozygotes.

Submission:

Ambry Genetics
Classification: Uncertain significance for Inborn genetic diseases. Last evaluated: 2016-08-11. Review status: criteria provided, single submitter. Criteria: Ambry Variant Classification Scheme 2023. Collection method: clinical testing. Allele origin: germline.
Comment: The p.Q7R variant (also known as c.20A>G), located in coding exon 1 of the NRXN1 gene, results from an A to G substitution at nucleotide position 20. The glutamine at codon 7 is replaced by arginine, an amino acid with highly similar properties. This variant was not reported in population based cohorts in the following databases: Database of Single Nucleotide Polymorphisms (dbSNP), NHLBI Exome Sequencing Project (ESP), and 1000 Genomes Project. In the ESP, this variant was not observed in 5278 samples (10556 alleles) with coverage at this position. This amino acid position is not well conserved in available vertebrate species. In addition, this alteration is predicted to be tolerated by in silico analysis. Since supporting evidence is limited at this time, the clinical significance of this alteration remains unclear.

NM_001330078.2(NRXN1):c.20A>G (p.Gln7Arg)

Gene: NRXN1 (neurexin 1; minus strand). Cytogenetic location: 2p16.3.
Variant type: single nucleotide variant.
Coding change: c.20A>G on transcript NM_001330078.2 (MANE Select); coding-DNA position 20, A replaced by G.
Protein change: p.Gln7Arg; replaces glutamine 7 with arginine.
Molecular consequence: missense variant.
Genome position (GRCh38, 1-based): chr2:51,028,254, T>C on the plus strand (A>G on the coding strand, the complement: NRXN1 is on the minus strand). VCF-style: chr2-51028254-T-C. GRCh37 (hg19) VCF-style: chr2-51255392-T-C.
Other names: c.20A>G, p.Gln7Arg (NM_001135659.3, NM_001330077.2, NM_001330079.2 and 15 more transcripts); short protein forms Q7R.
Identifiers: ClinVar variation 589898 (VCV000589898.5), dbSNP rs1558617775, ClinGen allele CA346824871.